The following is an entry in ClinVar:

ClinVar aggregate classification (germline): Uncertain significance (1 of 4 stars; one submission).

Submission:

Ambry Genetics
Classification: Uncertain significance. Last evaluated: 2025-08-11. Review status: criteria provided, single submitter. Criteria: Ambry Variant Classification Scheme 2023. Collection method: clinical testing. Allele origin: germline.
Comment: The p.R564P variant (also known as c.1691G>C), located in coding exon 10 of the GALNT12 gene, results from a G to C substitution at nucleotide position 1691. The arginine at codon 564 is replaced by proline, an amino acid with dissimilar properties. This amino acid position is conserved. In addition, the in silico prediction for this alteration is inconclusive. Based on the available evidence, the clinical significance of this variant remains unclear.

NM_024642.5(GALNT12):c.1691G>C (p.Arg564Pro)

Gene: GALNT12 (polypeptide N-acetylgalactosaminyltransferase 12; plus strand). Cytogenetic location: 9q22.33.
Variant type: single nucleotide variant.
Coding change: c.1691G>C on transcript NM_024642.5 (MANE Select); coding-DNA position 1691, G replaced by C.
Protein change: p.Arg564Pro; replaces arginine 564 with proline.
Molecular consequence: missense variant.
Genome position (GRCh38, 1-based): chr9:98,849,037, G>C. VCF-style: chr9-98849037-G-C. GRCh37 (hg19) VCF-style: chr9-101611319-G-C.
Other names: short protein forms R564P.
Identifiers: ClinVar variation 4261498 (VCV004261498.1).